The following is an entry in ClinVar:

NM_194292.3(SASS6):c.933C>T (p.His311=)

Gene: SASS6 (SAS-6 centriolar assembly protein; minus strand). Cytogenetic location: 1p21.2.
Variant type: single nucleotide variant.
Coding change: c.933C>T on transcript NM_194292.3 (MANE Select); coding-DNA position 933, C replaced by T.
Protein change: p.His311=; no amino-acid change (histidine 311 retained).
Molecular consequence: synonymous variant.
Genome position (GRCh38, 1-based): chr1:100,107,933, G>A on the plus strand (C>T on the coding strand, the complement: SASS6 is on the minus strand). VCF-style: chr1-100107933-G-A. GRCh37 (hg19) VCF-style: chr1-100573489-G-A.
Other names: c.432C>T, p.His144= (NM_001304829.2).
Identifiers: ClinVar variation 1295133 (VCV001295133.5), dbSNP rs35245591, ClinGen allele CA968368.

ClinVar aggregate classification (germline): Benign. Review status: criteria provided, multiple submitters, no conflicts (2 of 4 stars). 3 submissions from 3 submitters: Benign (2). 1 of the submissions does not count toward it. Last evaluated 2021-06-10.

Conditions:
SASS6-related disorder. Also called: SASS6-related condition.

Allele frequency attached by ClinVar (database versions not stated): gnomAD exomes 0.00844; ExAC 0.01088; gnomAD 0.03193 and 0.03399; TOPMed 0.03507; 1000 Genomes Project 0.03874; ESP Exome Variant Server 0.03883; 1000 Genomes Project 30x 0.03966.

Submissions (3):

GeneDx
Classification: Benign. Last evaluated: 2021-06-10. Review status: criteria provided, single submitter. Criteria: GeneDx Variant Classification Process June 2021. Collection method: clinical testing. Allele origin: germline. Affected: yes.

Breakthrough Genomics
Classification: Benign. Review status: criteria provided, single submitter. Criteria: ACMG Guidelines, 2015. Collection method: not provided. Allele origin: germline. Inheritance: Autosomal recessive inheritance. Affected: yes.

PreventionGenetics, part of Exact Sciences
Classification: Benign for SASS6-related condition. Last evaluated: 2020-02-17. Review status: no assertion criteria provided. Collection method: clinical testing. Allele origin: germline. Not counted in ClinVar's aggregate classification.
Comment: This variant is classified as benign based on ACMG/AMP sequence variant interpretation guidelines (Richards et al. 2015 PMID: 25741868, with internal and published modifications).